The following is an entry in ClinVar:

NM_032590.5(KDM2B):c.23del (p.Gly8fs)

Genes: KDM2B (lysine demethylase 2B; minus strand), KDM2B-DT (KDM2B divergent transcript; plus strand). Cytogenetic location: 12q24.31.
Variant type: Deletion.
Coding change: c.23del on transcript NM_032590.5 (MANE Select); coding-DNA position 23, one base deleted (G; older notation c.23delG).
Protein change: p.Gly8fs; shifts the reading frame from glycine 8.
Molecular consequence: frameshift variant. On other transcripts: non-coding transcript variant (1).
Genome position (GRCh38, 1-based): chr12:121,580,889, C deleted on the plus strand (G on the coding strand, the reverse complement: KDM2B is on the minus strand); the first of 6 consecutive C bases (chr12:121,580,889-121,580,894); deleting any one gives the same sequence. VCF-style (leftmost placement, unchanged base first): chr12-121580888-TC-T. GRCh37 (hg19) VCF-style: chr12-122018793-TC-T.
Other names: short protein forms G8fs.
Identifiers: ClinVar variation 2582184 (VCV002582184.1), dbSNP rs782171290, ClinGen allele CA608061168.

ClinVar aggregate classification (germline): Uncertain significance (1 of 4 stars; one submission).

Submission:

GeneDx
Classification: Uncertain significance. Last evaluated: 2023-03-30. Review status: criteria provided, single submitter. Criteria: GeneDx Variant Classification Process June 2021. Collection method: clinical testing. Allele origin: germline. Affected: yes.
Comment: Frameshift variant predicted to result in protein truncation or nonsense mediated decay in a gene for which loss of function is a known mechanism of disease; Has not been previously published as pathogenic or benign to our knowledge